The following is an entry in ClinVar:

ClinVar aggregate classification (germline): Uncertain significance. Review status: criteria provided, multiple submitters, no conflicts (2 of 4 stars). 4 submissions from 4 submitters: Uncertain significance (4). Last evaluated 2025-03-06.

Conditions:
Inborn genetic diseases. Identifiers: MedGen C0950123, MeSH D030342.
Bethlem myopathy 1A. Also called: Bethlem Muscular Dystrophy; MYOPATHY, BENIGN CONGENITAL, WITH CONTRACTURES; Bethlem myopathy 1. Identifiers: Orphanet 610, MedGen CN029274, MONDO:0024530, OMIM 158810.

Allele frequency attached by ClinVar (database versions not stated): gnomAD exomes below 0.00001; ExAC 0.00001; gnomAD 0.00001; TOPMed 0.00002.

Submissions (4):

Ambry Genetics
Classification: Uncertain significance for Inborn genetic diseases. Last evaluated: 2025-03-06. Review status: criteria provided, single submitter. Criteria: Ambry Variant Classification Scheme 2023. Collection method: clinical testing. Allele origin: germline.

Labcorp Genetics (formerly Invitae), Labcorp
Classification: Uncertain significance for Bethlem myopathy 1A. Last evaluated: 2024-02-22. Review status: criteria provided, single submitter. Criteria: Invitae Variant Classification Sherloc (09022015). Collection method: clinical testing. Allele origin: germline.
Comment: This sequence change replaces glycine, which is neutral and non-polar, with valine, which is neutral and non-polar, at codon 1845 of the COL6A3 protein (p.Gly1845Val). This variant is present in population databases (rs747200439, gnomAD 0.0009%). This variant has not been reported in the literature in individuals affected with COL6A3-related conditions. ClinVar contains an entry for this variant (Variation ID: 497149). Advanced modeling of protein sequence and biophysical properties (such as structural, functional, and spatial information, amino acid conservation, physicochemical variation, residue mobility, and thermodynamic stability) performed at Invitae indicates that this missense variant is not expected to disrupt COL6A3 protein function with a negative predictive value of 80%. Algorithms developed to predict the effect of sequence changes on RNA splicing suggest that this variant may create or strengthen a splice site. In summary, the available evidence is currently insufficient to determine the role of this variant in disease. Therefore, it has been classified as a Variant of Uncertain Significance.

Revvity Omics, Revvity
Classification: Uncertain significance. Last evaluated: 2020-06-29. Review status: criteria provided, single submitter. Criteria: ACMG Guidelines, 2015. Collection method: clinical testing. Allele origin: germline.

Eurofins Ntd Llc (ga)
Classification: Uncertain significance. Last evaluated: 2016-09-27. Review status: criteria provided, single submitter. Criteria: EGL Classification Definitions 2015. Collection method: clinical testing. Allele origin: germline. Observed: 1 variant allele, 1 heterozygote.

NM_004369.4(COL6A3):c.5534G>T (p.Gly1845Val)

Gene: COL6A3 (collagen type VI alpha 3 chain; minus strand). Cytogenetic location: 2q37.3.
Variant type: single nucleotide variant.
Coding change: c.5534G>T on transcript NM_004369.4 (MANE Select); coding-DNA position 5534, G replaced by T.
Protein change: p.Gly1845Val; replaces glycine 1845 with valine.
Molecular consequence: missense variant.
Genome position (GRCh38, 1-based): chr2:237,366,002, C>A on the plus strand (G>T on the coding strand, the complement: COL6A3 is on the minus strand). VCF-style: chr2-237366002-C-A. GRCh37 (hg19) VCF-style: chr2-238274645-C-A.
Other names: c.3713G>T, p.Gly1238Val (NM_057166.5); c.4916G>T, p.Gly1639Val (NM_057167.4); c.5534G>T (NM_004369.3); short protein forms G1845V, G1238V, G1639V.
Identifiers: ClinVar variation 497149 (VCV000497149.16), dbSNP rs747200439, ClinGen allele CA2188636.